The following is an entry in ClinVar:

NM_201253.3(CRB1):c.4142_4147del (p.Pro1381_Ser1382del)

Gene: CRB1 (crumbs cell polarity complex component 1; plus strand). Cytogenetic location: 1q31.3.
Variant type: Deletion.
Coding change: c.4142_4147del on transcript NM_201253.3 (MANE Select); coding-DNA positions 4142 to 4147, 6 bases deleted (CCAGCC; older notation c.4142_4147delCCAGCC).
Protein change: p.Pro1381_Ser1382del.
Molecular consequence: inframe deletion. On other transcripts: non-coding transcript variant (2).
Genome position (GRCh38, 1-based): chr1:197,477,800-197,477,805, CCAGCC deleted; deleting any 6 consecutive bases within chr1:197,477,795-197,477,805 gives the same sequence; the c. name uses the placement nearest the transcript's 3' end. VCF-style (leftmost placement, unchanged base first): chr1-197477794-ACAGCCC-A. GRCh37 (hg19) VCF-style: chr1-197446924-ACAGCCC-A.
Other names: c.3806_3811del, p.Pro1269_Ser1270del (NM_001193640.2); c.4070_4075del, p.Pro1357_Ser1358del (NM_001257965.2); c.2534_2539del, p.Pro845_Ser846del (NM_001257966.2).
Identifiers: ClinVar variation 1364895 (VCV001364895.6), dbSNP rs2125574108, ClinGen allele CA2573131439.

ClinVar aggregate classification (germline): Pathogenic (1 of 4 stars; one submission).

Conditions:
Retinitis pigmentosa 12 (RP12). Also called: RP WITH OR WITHOUT PRESERVED PARAARTERIOLE RETINAL PIGMENT EPITHELIUM; RETINITIS PIGMENTOSA WITH OR WITHOUT PARAARTERIOLAR PRESERVATION OF RETINAL PIGMENT EPITHELIUM; RP WITH OR WITHOUT PPRPE. Identifiers: Orphanet 791, MedGen C1838647, MONDO:0010818, OMIM 600105.
Leber congenital amaurosis 8 (LCA8). Identifiers: Orphanet 65, MedGen C3151202, MONDO:0013453, OMIM 613835.

Submission:

Labcorp Genetics (formerly Invitae), Labcorp
Classification: Pathogenic for Leber congenital amaurosis 8; Retinitis pigmentosa 12. Last evaluated: 2022-07-19. Review status: criteria provided, single submitter. Criteria: Invitae Variant Classification Sherloc (09022015). Collection method: clinical testing. Allele origin: germline.
Comment: For these reasons, this variant has been classified as Pathogenic. This variant disrupts a region of the CRB1 protein in which other variant(s) (p.Pro1381Leu) have been determined to be pathogenic (PMID: 20956273, 23379534, 24811962). This suggests that this is a clinically significant region of the protein, and that variants that disrupt it are likely to be disease-causing. ClinVar contains an entry for this variant (Variation ID: 1364895). This variant has not been reported in the literature in individuals affected with CRB1-related conditions. This variant is not present in population databases (gnomAD no frequency). This variant, c.4142_4147del, results in the deletion of 2 amino acid(s) of the CRB1 protein (p.Pro1381_Ser1382del), but otherwise preserves the integrity of the reading frame.

Literature cited by the submitters: PubMed 20956273; PubMed 23379534; PubMed 24811962.